The following is an entry in ClinVar:

ClinVar aggregate classification (germline): Likely benign. Review status: criteria provided, multiple submitters, no conflicts (2 of 4 stars). 3 submissions from 3 submitters: Likely benign (3). Last evaluated 2025-08-07.

Allele frequency attached by ClinVar (database versions not stated): ESP Exome Variant Server 0.00031; TOPMed 0.00036; ExAC 0.00049; gnomAD 0.00051.
gnomAD v4.1: 859 of 1,614,096 alleles (0.053%); highest among the groups gnomAD compares: Non-Finnish European, 0.066%; 1 homozygote.

Submissions (3):

Mayo Clinic Laboratories, Mayo Clinic
Classification: Likely benign. Last evaluated: 2025-08-07. Review status: criteria provided, single submitter. Criteria: ACMG Guidelines, 2015. Collection method: clinical testing. Allele origin: germline. Observed: 3 variant alleles.
Comment: BP4, BP7

Laboratory of Genetics, Children's Clinical University Hospital Latvia
Classification: Likely benign. Last evaluated: 2025-02-16. Review status: criteria provided, single submitter. Criteria: ACMG Guidelines, 2015. Collection method: clinical testing. Allele origin: germline. Affected: yes.

CeGaT Center for Human Genetics Tuebingen
Classification: Likely benign. Last evaluated: 2023-02-01. Review status: criteria provided, single submitter. Criteria: CeGaT Center For Human Genetics Tuebingen Variant Classification Criteria Version 2. Collection method: clinical testing. Allele origin: germline. Affected: yes. Observed: 2 variant alleles.
Comment: SORD: BP4, BP7

NM_003104.6(SORD):c.414C>G (p.Ala138=)

Gene: SORD (sorbitol dehydrogenase; plus strand). Cytogenetic location: 15q21.1.
Variant type: single nucleotide variant.
Coding change: c.414C>G on transcript NM_003104.6 (MANE Select); coding-DNA position 414, C replaced by G.
Protein change: p.Ala138=; no amino-acid change (alanine 138 retained).
Molecular consequence: synonymous variant. On other transcripts: non-coding transcript variant (1).
Genome position (GRCh38, 1-based): chr15:45,061,215, C>G. VCF-style: chr15-45061215-C-G. GRCh37 (hg19) VCF-style: chr15-45353413-C-G.
Other names: p.Ala138=.
Identifiers: ClinVar variation 2645288 (VCV002645288.26), dbSNP rs377357498, ClinGen allele CA7537168.